The following is an entry in ClinVar:

NM_012463.4(ATP6V0A2):c.2176-3_2176-2del

Gene: ATP6V0A2 (ATPase H+ transporting V0 subunit a2; plus strand). Cytogenetic location: 12q24.31.
Variant type: Deletion.
Coding change: c.2176-3_2176-2del on transcript NM_012463.4 (MANE Select); 3 bases into the intron before coding-DNA position 2176 through the canonical splice acceptor site of the intron before coding-DNA position 2176, 2 bases deleted (CA; older notation c.2176-3_2176-2delCA).
Molecular consequence: splice acceptor variant.
Genome position (GRCh38, 1-based): chr12:123,754,417-123,754,418, CA deleted. VCF-style (leftmost placement, unchanged base first): chr12-123754416-TCA-T. GRCh37 (hg19) VCF-style: chr12-124238963-TCA-T.
Identifiers: ClinVar variation 21496 (VCV000021496.3), dbSNP rs367543007, ClinGen allele CA342133.

ClinVar aggregate classification (germline): Pathogenic (0 of 4 stars; one submission).

Conditions:
Cutis laxa with osteodystrophy (ARCL2A). Also called: Debré-Type Cutis Laxa; CUTIS LAXA WITH BONE DYSTROPHY; CUTIS LAXA WITH GROWTH AND DEVELOPMENTAL DELAY; CUTIS LAXA WITH JOINT LAXITY AND RETARDED DEVELOPMENT; CUTIS LAXA WITH CONGENITAL DISORDER OF GLYCOSYLATION; CUTIS LAXA, AUTOSOMAL RECESSIVE, TYPE IIA. Identifiers: Orphanet 357058, MedGen C0268355, MONDO:0018163, OMIM 219200. Disease mechanism: loss of function.

Submission:

GeneReviews
Classification: Pathogenic for ATP6V0A2-Related Cutis Laxa. Last evaluated: 2010-09-23. Review status: no assertion criteria provided. Collection method: curation. Allele origin: unknown.
ClinVar note: Converted during submission from pathologic to Pathogenic.